The following is an entry in ClinVar:

NM_001849.4(COL6A2):c.1459-63G>A

Gene: COL6A2 (collagen type VI alpha 2 chain; plus strand). Cytogenetic location: 21q22.3.
Variant type: single nucleotide variant.
Coding change: c.1459-63G>A on transcript NM_001849.4 (MANE Select); 63 bases into the intron before coding-DNA position 1459, G replaced by A.
Molecular consequence: intron variant.
Genome position (GRCh38, 1-based): chr21:46,121,493, G>A. VCF-style: chr21-46121493-G-A. GRCh37 (hg19) VCF-style: chr21-47541407-G-A.
Other names: c.1459-63G>A (NM_058175.3, NM_058174.3).
Identifiers: ClinVar variation 1678765 (VCV001678765.3), dbSNP rs914794771, ClinGen allele CA2392504125.

ClinVar aggregate classification (germline): Likely benign. Review status: criteria provided, multiple submitters, no conflicts (2 of 4 stars). 2 submissions from 2 submitters: Likely benign (2). Last evaluated 2018-11-09.

Allele frequency attached by ClinVar (database versions not stated): gnomAD exomes below 0.00001.
gnomAD v4.1: 1 of 1,527,156 alleles (0.000065%); highest among the groups gnomAD compares: South Asian, 0.0011%; no homozygotes.

Submissions (2):

GeneDx
Classification: Likely benign. Last evaluated: 2018-11-09. Review status: criteria provided, single submitter. Criteria: GeneDx Variant Classification Process June 2021. Collection method: clinical testing. Allele origin: germline. Affected: yes.
Comment: See Variant Classification Assertion Criteria.

Breakthrough Genomics
Classification: Likely benign. Review status: criteria provided, single submitter. Criteria: ACMG Guidelines, 2015. Collection method: not provided. Allele origin: germline. Inheritance: Autosomal recessive inheritance. Affected: yes.